The following is an entry in ClinVar:

ClinVar aggregate classification (germline): Benign (1 of 4 stars; one submission).

Conditions:
Seizures, benign familial neonatal, 2. Also called: Benign Neonatal Epilepsy 2; CONVULSIONS, BENIGN FAMILIAL NEONATAL, 2; KCNQ3-Related Benign Familial Neonatal Epilepsy; KCNQ3-Related Self-Limited Familial Neonatal Epilepsy (SLFNE); Seizures, benign neonatal, 2. Identifiers: Orphanet 1949, MedGen C1852581, MONDO:0007366, OMIM 121201.

Allele frequency attached by ClinVar (database versions not stated): 1000 Genomes Project 0.00419; 1000 Genomes Project 30x 0.00422; TOPMed 0.00452.

Submission:

Illumina Laboratory Services, Illumina
Classification: Benign for Seizures, benign familial neonatal, 2. Last evaluated: 2018-01-13. Review status: criteria provided, single submitter. Criteria: ICSL Variant Classification Criteria 13 December 2019. Collection method: clinical testing. Allele origin: germline.
Comment: This variant was observed in the ICSL laboratory as part of a predisposition screen in an ostensibly healthy population. It had not been previously curated by ICSL or reported in the Human Gene Mutation Database (HGMD: prior to June 1st, 2018), and was therefore a candidate for classification through an automated scoring system. Utilizing variant allele frequency, disease prevalence and penetrance estimates, and inheritance mode, an automated score was calculated to assess if this variant is too frequent to cause the disease. Based on the score and internal cut-off values, a variant classified as benign is not then subjected to further curation. The score for this variant resulted in a classification of benign for this disease.

NM_004519.4(KCNQ3):c.*4947G>T

Gene: KCNQ3 (potassium voltage-gated channel subfamily Q member 3; minus strand). Cytogenetic location: 8q24.22.
Variant type: single nucleotide variant.
Coding change: c.*4947G>T on transcript NM_004519.4 (MANE Select); 4947 bases downstream of the stop codon, G replaced by T.
Molecular consequence: 3 prime UTR variant.
Genome position (GRCh38, 1-based): chr8:132,124,315, C>A on the plus strand (G>T on the coding strand, the complement: KCNQ3 is on the minus strand). VCF-style: chr8-132124315-C-A. GRCh37 (hg19) VCF-style: chr8-133136562-C-A.
Other names: c.*4947G>T (NM_001204824.2).
Identifiers: ClinVar variation 911581 (VCV000911581.4), dbSNP rs140565364, ClinGen allele CA185429577.